The following is an entry in ClinVar:

NM_007127.3(VIL1):c.1329C>T (p.Leu443=)

Gene: VIL1 (villin 1; plus strand). Cytogenetic location: 2q35.
Variant type: single nucleotide variant.
Coding change: c.1329C>T on transcript NM_007127.3 (MANE Select); coding-DNA position 1329, C replaced by T.
Protein change: p.Leu443=; no amino-acid change (leucine 443 retained).
Molecular consequence: synonymous variant.
Genome position (GRCh38, 1-based): chr2:218,432,171, C>T. VCF-style: chr2-218432171-C-T. GRCh37 (hg19) VCF-style: chr2-219296894-C-T.
Identifiers: ClinVar variation 3048304 (VCV003048304.2), dbSNP rs140557536, ClinGen allele CA2106427.

ClinVar aggregate classification (germline): Likely benign (0 of 4 stars; one submission).

Conditions:
VIL1-related disorder. Also called: VIL1-related condition.

Allele frequency attached by ClinVar (database versions not stated): gnomAD exomes below 0.00001; ExAC 0.00001; ESP Exome Variant Server 0.00008; gnomAD 0.00009; TOPMed 0.00036.
gnomAD v4.1: 33 of 1,613,046 alleles (0.002%); highest among the groups gnomAD compares: Admixed American, 0.032%; 1 homozygote.

Submission:

PreventionGenetics, part of Exact Sciences
Classification: Likely benign for VIL1-related condition. Last evaluated: 2019-12-04. Review status: no assertion criteria provided. Collection method: clinical testing. Allele origin: germline.
Comment: This variant is classified as likely benign based on ACMG/AMP sequence variant interpretation guidelines (Richards et al. 2015 PMID: 25741868, with internal and published modifications).